The following is an entry in ClinVar:

ClinVar aggregate classification (germline): Uncertain significance (1 of 4 stars; one submission).

Conditions:
Cardiovascular phenotype. Identifiers: MedGen CN230736.

Allele frequency attached by ClinVar (database versions not stated): gnomAD 0.00001.
gnomAD v4.1: 1 of 1,476,706 alleles (0.000068%); no homozygotes.

Submission:

Ambry Genetics
Classification: Uncertain significance for Cardiovascular phenotype. Last evaluated: 2025-05-24. Review status: criteria provided, single submitter. Criteria: Ambry Variant Classification Scheme 2023. Collection method: clinical testing. Allele origin: germline.
Comment: The p.R993P variant (also known as c.2978G>C), located in coding exon 1 of the ZNF469 gene, results from a G to C substitution at nucleotide position 2978. The arginine at codon 993 is replaced by proline, an amino acid with dissimilar properties. This amino acid position is conserved. In addition, this alteration is predicted to be tolerated by in silico analysis. Since supporting evidence is limited at this time, the clinical significance of this alteration remains unclear.

NM_001367624.2(ZNF469):c.2978G>C (p.Arg993Pro)

Gene: ZNF469 (zinc finger protein 469; plus strand). Cytogenetic location: 16q24.2.
Variant type: single nucleotide variant.
Coding change: c.2978G>C on transcript NM_001367624.2 (MANE Select); coding-DNA position 2978, G replaced by C.
Protein change: p.Arg993Pro; replaces arginine 993 with proline.
Molecular consequence: missense variant.
Genome position (GRCh38, 1-based): chr16:88,430,448, G>C. VCF-style: chr16-88430448-G-C. GRCh37 (hg19) VCF-style: chr16-88496856-G-C.
Other names: NM_001127464.1:c.2978G>C; short protein forms R993P.
Identifiers: ClinVar variation 2561839 (VCV002561839.3), dbSNP rs1906069990, ClinGen allele CA397076514.